The following is an entry in ClinVar:

NM_000313.4(PROS1):c.1492+6T>G

Gene: PROS1 (protein S; minus strand). Cytogenetic location: 3q11.1.
Variant type: single nucleotide variant.
Coding change: c.1492+6T>G on transcript NM_000313.4 (MANE Select); 6 bases into the intron after coding-DNA position 1492, T replaced by G.
Molecular consequence: intron variant.
Genome position (GRCh38, 1-based): chr3:93,884,722, A>C on the plus strand (T>G on the coding strand, the complement: PROS1 is on the minus strand). VCF-style: chr3-93884722-A-C. GRCh37 (hg19) VCF-style: chr3-93603566-A-C.
Other names: c.1588+6T>G (NM_001314077.2).
Identifiers: ClinVar variation 3066092 (VCV003066092.1), dbSNP rs1576175723, ClinGen allele CA1385033021.

ClinVar aggregate classification (germline): Uncertain significance (1 of 4 stars; one submission).

Conditions:
Thrombophilia due to protein S deficiency, autosomal dominant (THPH5). Identifiers: Orphanet 26349, Orphanet 743, MedGen C3278211, MONDO:0012868, OMIM 612336. Disease mechanism: loss of function.

Submission:

MVZ Medizinische Genetik Mainz
Classification: Uncertain significance for Thrombophilia due to protein S deficiency, autosomal dominant. Last evaluated: 2022-03-10. Review status: criteria provided, single submitter. Criteria: UK Practice Guidelines For Variant Classification V4 01 2020. Collection method: clinical testing. Allele origin: germline. Inheritance: Autosomal dominant inheritance. Affected: yes. Observed: 1 variant allele.
Comment: ACMG Criteria: PM2_SUP, PP3 (ACMG Version 3)